The following is an entry in ClinVar:

NM_020070.4(IGLL1):c.286C>T (p.His96Tyr)

Gene: IGLL1 (immunoglobulin lambda like polypeptide 1; minus strand). Cytogenetic location: 22q11.23.
Variant type: single nucleotide variant.
Coding change: c.286C>T on transcript NM_020070.4 (MANE Select); coding-DNA position 286, C replaced by T.
Protein change: p.His96Tyr; replaces histidine 96 with tyrosine.
Molecular consequence: missense variant. On other transcripts: intron variant (1).
Genome position (GRCh38, 1-based): chr22:23,575,003, G>A on the plus strand (C>T on the coding strand, the complement: IGLL1 is on the minus strand). VCF-style: chr22-23575003-G-A. GRCh37 (hg19) VCF-style: chr22-23917190-G-A.
Other names: c.289C>T, p.His97Tyr (NM_001369906.1); c.207-1418C>T (NM_152855.3); short protein forms H96Y, H97Y.
Identifiers: ClinVar variation 2072604 (VCV002072604.4), dbSNP rs1924987022, ClinGen allele CA410899100.

ClinVar aggregate classification (germline): Uncertain significance (1 of 4 stars; one submission).

Conditions:
Agammaglobulinemia 2, autosomal recessive (AGM2). Also called: AGAMMAGLOBULINEMIA, AUTOSOMAL RECESSIVE, DUE TO IGLL1 DEFECT. Identifiers: MedGen C3150750, MONDO:0013287, OMIM 613500.

Allele frequency attached by ClinVar (database versions not stated): TOPMed below 0.00001; gnomAD 0.00001.

Submission:

Labcorp Genetics (formerly Invitae), Labcorp
Classification: Uncertain significance for Agammaglobulinemia 2, autosomal recessive. Last evaluated: 2022-12-02. Review status: criteria provided, single submitter. Criteria: Invitae Variant Classification Sherloc (09022015). Collection method: clinical testing. Allele origin: germline.
Comment: In summary, the available evidence is currently insufficient to determine the role of this variant in disease. Therefore, it has been classified as a Variant of Uncertain Significance. Algorithms developed to predict the effect of missense changes on protein structure and function output the following: SIFT: "Tolerated"; PolyPhen-2: "Benign"; Align-GVGD: "Class C0". The tyrosine amino acid residue is found in multiple mammalian species, which suggests that this missense change does not adversely affect protein function. This variant has not been reported in the literature in individuals affected with IGLL1-related conditions. This variant is not present in population databases (gnomAD no frequency). This sequence change replaces histidine, which is basic and polar, with tyrosine, which is neutral and polar, at codon 96 of the IGLL1 protein (p.His96Tyr).